The following is an entry in ClinVar:

ClinVar aggregate classification (germline): Pathogenic/Likely pathogenic. Review status: criteria provided, multiple submitters, no conflicts (2 of 4 stars). 3 submissions from 3 submitters: Pathogenic (1); Likely pathogenic (2). Last evaluated 2026-01-26.

Conditions:
PNPLA6-related disorder. Also called: PNPLA6-related condition; PNPLA6-related disorders.
Hereditary spastic paraplegia 39 (SPG39). Also called: Spastic Paraplegia Type 39 (SPG39); SPASTIC PARAPLEGIA 39, AUTOSOMAL RECESSIVE. Identifiers: Orphanet 139480, MedGen C2677586, MONDO:0012787, OMIM 612020.

Allele frequency attached by ClinVar (database versions not stated): gnomAD exomes below 0.00001 and 0.00001; gnomAD 0.00002; TOPMed 0.00002.
gnomAD v4.1: 13 of 1,612,756 alleles (0.00081%); highest among the groups gnomAD compares: Admixed American, 0.005%; no homozygotes.

Submissions (3):

Labcorp Genetics (formerly Invitae), Labcorp
Classification: Pathogenic for Hereditary spastic paraplegia 39. Last evaluated: 2026-01-26. Review status: criteria provided, single submitter. Criteria: Invitae Variant Classification Sherloc (09022015). Collection method: clinical testing. Allele origin: germline.
Comment: This sequence change replaces alanine, which is neutral and non-polar, with threonine, which is neutral and polar, at codon 1064 of the PNPLA6 protein (p.Ala1064Thr). The frequency data for this variant in the population databases is considered unreliable, as metrics indicate poor data quality at this position in the gnomAD database. This missense change has been observed in individuals with clinical features of hereditary spastic paraplegia and/or severe early childhood onset retinal dystrophy (PMID: 28559085, 32586184, 32623594; internal data). It has also been observed to segregate with disease in related individuals. ClinVar contains an entry for this variant (Variation ID: 854645). Invitae Evidence Modeling of protein sequence and biophysical properties (such as structural, functional, and spatial information, amino acid conservation, physicochemical variation, residue mobility, and thermodynamic stability) indicates that this missense variant is expected to disrupt PNPLA6 protein function with a positive predictive value of 80%. For these reasons, this variant has been classified as Pathogenic.

3billion
Classification: Likely pathogenic for Hereditary spastic paraplegia 39. Last evaluated: 2025-01-22. Review status: criteria provided, single submitter. Criteria: ACMG Guidelines, 2015. Collection method: clinical testing. Allele origin: germline. Affected: yes.
Comment: The variant is observed at an extremely low frequency in the gnomAD v4.1.0 dataset (total allele frequency: <0.001%). Predicted Consequence/Location: Missense variant In silico tool predictions suggest damaging effect of the variant on gene or gene product [REVEL: 0.91 (>=0.6, sensitivity 0.68 and specificity 0.92); 3Cnet: 0.88 (>=0.6, sensitivity 0.72 and precision 0.9)]. The same nucleotide change resulting in the same amino acid change has been previously reported to be associated with PNPLA6-related disorder (ClinVar ID: VCV000854645). The variant has been reported to be in trans with a pathogenic variant as either compound heterozygous or homozygous in at least one similarly affected unrelated individual (PMID: 32623594). Therefore, this variant is classified as Likely pathogenic according to the recommendation of ACMG/AMP guideline.

Blueprint Genetics
Classification: Likely pathogenic for PNPLA6-related disorders. Last evaluated: 2018-10-22. Review status: criteria provided, single submitter. Criteria: ACMG Guidelines, 2015. Collection method: clinical testing. Allele origin: germline. Affected: yes. Observed: 4 variant alleles.

Literature cited by the submitters: PubMed 28559085 (cited by Labcorp Genetics (formerly Invitae), Labcorp); PubMed 32586184 (cited by Labcorp Genetics (formerly Invitae), Labcorp); PubMed 32623594 (cited by Labcorp Genetics (formerly Invitae), Labcorp and 3billion).

NM_001166114.2(PNPLA6):c.3304G>A (p.Ala1102Thr)

Gene: PNPLA6 (patatin like domain 6, lysophospholipase; plus strand). Cytogenetic location: 19p13.2.
Variant type: single nucleotide variant.
Coding change: c.3304G>A on transcript NM_001166114.2 (MANE Select); coding-DNA position 3304, G replaced by A.
Protein change: p.Ala1102Thr; replaces alanine 1102 with threonine.
Molecular consequence: missense variant.
Genome position (GRCh38, 1-based): chr19:7,557,191, G>A. VCF-style: chr19-7557191-G-A. GRCh37 (hg19) VCF-style: chr19-7622077-G-A.
Other names: c.3334G>A, p.Ala1112Thr (NM_001166111.2); c.3109G>A, p.Ala1037Thr (NM_001166112.2); c.3190G>A, p.Ala1064Thr (NM_001166113.1, NM_006702.5); short protein forms A1064T, A1037T, A1102T, A1112T.
Identifiers: ClinVar variation 854645 (VCV000854645.11), dbSNP rs1236012815, ClinGen allele CA403133730.